The following is an entry in ClinVar:

ClinVar aggregate classification (germline): Uncertain significance (1 of 4 stars; one submission).

Conditions:
Intellectual developmental disorder and retinitis pigmentosa; IDDRP. Also called: INTELLECTUAL DEVELOPMENTAL DISORDER AND RETINITIS PIGMENTOSA. Identifiers: MedGen C4748658, MONDO:0032594, OMIM 618195.

Allele frequency attached by ClinVar (database versions not stated): ExAC 0.00001; gnomAD exomes 0.00001; TOPMed 0.00002.
gnomAD v4.1: 15 of 1,591,652 alleles (0.00094%); highest among the groups gnomAD compares: South Asian, 0.01%; no homozygotes.

Submission:

Neuberg Centre For Genomic Medicine, NCGM
Classification: Uncertain significance for Intellectual developmental disorder and retinitis pigmentosa; IDDRP. Last evaluated: 2023-02-14. Review status: criteria provided, single submitter. Criteria: ACMG Guidelines, 2015. Collection method: clinical testing. Allele origin: germline. Inheritance: Autosomal recessive inheritance. Affected: yes.
Comment: The missense c.776G>A (p.Arg259Gln) variant in SCAPER gene has not been reported previously as a pathogenic variant nor as a benign variant, to our knowledge. The p.Arg259Gln variant has allele freuency 0.004% in gnomAD Exomes and is novel (not in any individuals) in 1000 Genomes. This variant has not been reported to the ClinVar database. The amino acid change p.Arg259Gln in SCAPER is predicted as conserved by GERP++ and PhyloP across 100 vertebrates. The amino acid Arg at position 259 is changed to a Gln changing protein sequence and it might alter its composition and physico-chemical properties. For these reasons, this variant has been classified as Variant of Uncertain Significance (VUS).

NM_020843.4(SCAPER):c.776G>A (p.Arg259Gln)

Gene: SCAPER (S-phase cyclin A associated protein in the ER; minus strand). Cytogenetic location: 15q24.3.
Variant type: single nucleotide variant.
Coding change: c.776G>A on transcript NM_020843.4 (MANE Select); coding-DNA position 776, G replaced by A.
Protein change: p.Arg259Gln; replaces arginine 259 with glutamine.
Molecular consequence: missense variant. On other transcripts: non-coding transcript variant (1).
Genome position (GRCh38, 1-based): chr15:76,775,114, C>T on the plus strand (G>A on the coding strand, the complement: SCAPER is on the minus strand). VCF-style: chr15-76775114-C-T. GRCh37 (hg19) VCF-style: chr15-77067455-C-T.
Other names: c.38G>A, p.Arg13Gln (NM_001145923.2); c.776G>A, p.Arg259Gln (NM_001353009.2); c.374G>A, p.Arg125Gln (NM_001353010.2, NM_001353011.2, NM_001353012.2); short protein forms R125Q, R13Q, R259Q.
Identifiers: ClinVar variation 2671783 (VCV002671783.1), dbSNP rs768433326, ClinGen allele CA7675088.